The following is an entry in ClinVar:

NM_152383.5(DIS3L2):c.700A>G (p.Lys234Glu)

Gene: DIS3L2 (DIS3 like 3'-5' exoribonuclease 2; plus strand). Cytogenetic location: 2q37.1.
Variant type: single nucleotide variant.
Coding change: c.700A>G on transcript NM_152383.5 (MANE Select); coding-DNA position 700, A replaced by G.
Protein change: p.Lys234Glu; replaces lysine 234 with glutamic acid.
Molecular consequence: missense variant. On other transcripts: non-coding transcript variant (2).
Genome position (GRCh38, 1-based): chr2:232,130,717, A>G. VCF-style: chr2-232130717-A-G. GRCh37 (hg19) VCF-style: chr2-232995427-A-G.
Other names: c.700A>G, p.Lys234Glu (NM_001257281.2, NM_001257282.2); short protein forms K234E.
Identifiers: ClinVar variation 665022 (VCV000665022.8), dbSNP rs1574898215, ClinGen allele CA351153287.
Genomic context (GRCh38, chr2:232,130,717, plus strand): 5'-ACCACCTGCATTTCACAAGACACAAGAGCTTTATCGGAGAAATCCCTGCAAAGATCAGCA[A>G]AGGTCATTGCCTACAGATTTTCTCCACGTGTCCAAATGGCTTTCACCTGAGCTACTTGTT-3'
Protein context (NP_689596.4, residues 224-244): LSEKSLQRSA[Lys234Glu]VVYILEKKHS

ClinVar aggregate classification (germline): Uncertain significance (1 of 4 stars; one submission).

Conditions:
Perlman syndrome (PRLMNS). Identifiers: Orphanet 2849, MedGen C0796113, MONDO:0009965, OMIM 267000.

Allele frequency attached by ClinVar (database versions not stated): gnomAD exomes below 0.00001.
gnomAD v4.1: 1 of 1,613,874 alleles (0.000062%); highest among the groups gnomAD compares: Non-Finnish European, 0.000085%; no homozygotes.

Submission:

Labcorp Genetics (formerly Invitae), Labcorp
Classification: Uncertain significance for Perlman syndrome. Last evaluated: 2018-09-21. Review status: criteria provided, single submitter. Criteria: Invitae Variant Classification Sherloc (09022015). Collection method: clinical testing. Allele origin: germline.
Comment: This variant has not been reported in the literature in individuals with DIS3L2-related disease. In summary, the available evidence is currently insufficient to determine the role of this variant in disease. Therefore, it has been classified as a Variant of Uncertain Significance. Algorithms developed to predict the effect of missense changes on protein structure and function are either unavailable or do not agree on the potential impact of this missense change (SIFT: "Tolerated"; PolyPhen-2: "Possibly Damaging"; Align-GVGD: "Class C0"). This variant is not present in population databases (ExAC no frequency). This sequence change replaces lysine with glutamic acid at codon 234 of the DIS3L2 protein (p.Lys234Glu). The lysine residue is moderately conserved and there is a small physicochemical difference between lysine and glutamic acid.